The following is an entry in ClinVar:

NM_001111.5(ADAR):c.3657G>T (p.Lys1219Asn)

Gene: ADAR (adenosine deaminase RNA specific; minus strand). Cytogenetic location: 1q21.3.
Variant type: single nucleotide variant.
Coding change: c.3657G>T on transcript NM_001111.5 (MANE Select); coding-DNA position 3657, G replaced by T.
Protein change: p.Lys1219Asn; replaces lysine 1219 with asparagine.
Molecular consequence: missense variant.
Genome position (GRCh38, 1-based): chr1:154,584,830, C>A on the plus strand (G>T on the coding strand, the complement: ADAR is on the minus strand). VCF-style: chr1-154584830-C-A. GRCh37 (hg19) VCF-style: chr1-154557306-C-A.
Other names: c.2772G>T, p.Lys924Asn (NM_001025107.3, NM_001193495.2, NM_001365046.1 and 2 more transcripts); c.3684G>T, p.Lys1228Asn (NM_001365045.1); c.2694G>T, p.Lys898Asn (NM_001365049.1); c.3579G>T, p.Lys1193Asn (NM_015840.4); c.3522G>T, p.Lys1174Asn (NM_015841.4); short protein forms K1228N, K898N, K1174N, K1193N, K924N, K1219N.
Identifiers: ClinVar variation 1409415 (VCV001409415.6), dbSNP rs2101556653, ClinGen allele CA342634460.

ClinVar aggregate classification (germline): Uncertain significance (1 of 4 stars; one submission).

Conditions:
Aicardi-Goutieres syndrome 6 (AGS6). Identifiers: Orphanet 51, MedGen C3539013, MONDO:0014007, OMIM 615010.
Symmetrical dyschromatosis of extremities (DSH). Also called: DYSCHROMATOSIS SYMMETRICA HEREDITARIA 1; RETICULATE ACROPIGMENTATION OF DOHI; SYMMETRIC DYSCHROMATOSIS OF THE EXTREMITIES; Dyschromatosis symmetrica hereditaria. Identifiers: Orphanet 41, MedGen C0406775, MONDO:0007483, OMIM 127400.

Submission:

Labcorp Genetics (formerly Invitae), Labcorp
Classification: Uncertain significance for Aicardi-Goutieres syndrome 6; Symmetrical dyschromatosis of extremities. Last evaluated: 2024-04-20. Review status: criteria provided, single submitter. Criteria: Invitae Variant Classification Sherloc (09022015). Collection method: clinical testing. Allele origin: germline.
Comment: This sequence change replaces lysine, which is basic and polar, with asparagine, which is neutral and polar, at codon 1219 of the ADAR protein (p.Lys1219Asn). This variant is not present in population databases (gnomAD no frequency). This variant has not been reported in the literature in individuals affected with ADAR-related conditions. ClinVar contains an entry for this variant (Variation ID: 1409415). Advanced modeling of protein sequence and biophysical properties (such as structural, functional, and spatial information, amino acid conservation, physicochemical variation, residue mobility, and thermodynamic stability) performed at Invitae indicates that this missense variant is not expected to disrupt ADAR protein function with a negative predictive value of 80%. In summary, the available evidence is currently insufficient to determine the role of this variant in disease. Therefore, it has been classified as a Variant of Uncertain Significance.